The following is an entry in ClinVar:

ClinVar aggregate classification (germline): Uncertain significance (1 of 4 stars; one submission).

Allele frequency attached by ClinVar (database versions not stated): ExAC 0.00001; gnomAD exomes 0.00001.
gnomAD v4.1: 7 of 1,614,234 alleles (0.00043%); highest among the groups gnomAD compares: South Asian, 0.0055%; no homozygotes.

Submission:

Labcorp Genetics (formerly Invitae), Labcorp
Classification: Uncertain significance. Last evaluated: 2021-08-19. Review status: criteria provided, single submitter. Criteria: Invitae Variant Classification Sherloc (09022015). Collection method: clinical testing. Allele origin: germline.
Comment: This sequence change replaces valine with alanine at codon 416 of the TRMT5 protein (p.Val416Ala). The valine residue is highly conserved and there is a small physicochemical difference between valine and alanine. This variant is present in population databases (rs766158548, ExAC 0.006%). This variant has not been reported in the literature in individuals affected with TRMT5-related conditions. Algorithms developed to predict the effect of missense changes on protein structure and function (SIFT, PolyPhen-2, Align-GVGD) all suggest that this variant is likely to be disruptive. In summary, the available evidence is currently insufficient to determine the role of this variant in disease. Therefore, it has been classified as a Variant of Uncertain Significance.

NM_020810.3(TRMT5):c.1247T>C (p.Val416Ala)

Gene: TRMT5 (tRNA methyltransferase 5; minus strand). Cytogenetic location: 14q23.1.
Variant type: single nucleotide variant.
Coding change: c.1247T>C on transcript NM_020810.3 (MANE Select); coding-DNA position 1247, T replaced by C.
Protein change: p.Val416Ala; replaces valine 416 with alanine.
Molecular consequence: missense variant.
Genome position (GRCh38, 1-based): chr14:60,975,672, A>G on the plus strand (T>C on the coding strand, the complement: TRMT5 is on the minus strand). VCF-style: chr14-60975672-A-G. GRCh37 (hg19) VCF-style: chr14-61442390-A-G.
Other names: c.1331T>C, p.Val444Ala (NM_001350253.1); c.1328T>C, p.Val443Ala (NM_001350254.1); short protein forms V443A, V416A, V444A.
Identifiers: ClinVar variation 1483018 (VCV001483018.6), dbSNP rs766158548, ClinGen allele CA7213742.